The following is an entry in ClinVar:

ClinVar aggregate classification (germline): Uncertain significance (1 of 4 stars; one submission).

Conditions:
Microcephaly, normal intelligence and immunodeficiency (NBS). Also called: BERLIN BREAKAGE SYNDROME; Immunodeficiency, microcephaly with normal intelligence; Nijmegen breakage syndrome; Microcephaly with normal intelligence immunodeficiency and lymphoreticular malignancies; Nonsyndromal microcephaly autosomal recessive with normal intelligence; Seemanova syndrome 2. Identifiers: Orphanet 647, MedGen C0398791, MONDO:0009623, OMIM 251260.

Submission:

Labcorp Genetics (formerly Invitae), Labcorp
Classification: Uncertain significance for Microcephaly, normal intelligence and immunodeficiency. Last evaluated: 2021-04-12. Review status: criteria provided, single submitter. Criteria: Invitae Variant Classification Sherloc (09022015). Collection method: clinical testing. Allele origin: germline.
Comment: In summary, the available evidence is currently insufficient to determine the role of this variant in disease. Therefore, it has been classified as a Variant of Uncertain Significance. Algorithms developed to predict the effect of missense changes on protein structure and function (SIFT, PolyPhen-2, Align-GVGD) all suggest that this variant is likely to be tolerated, but these predictions have not been confirmed by published functional studies and their clinical significance is uncertain. This variant has not been reported in the literature in individuals with NBN-related conditions. This variant is not present in population databases (ExAC no frequency). This sequence change replaces lysine with arginine at codon 544 of the NBN protein (p.Lys544Arg). The lysine residue is weakly conserved and there is a small physicochemical difference between lysine and arginine.

NM_002485.5(NBN):c.1631A>G (p.Lys544Arg)

Gene: NBN (nibrin; minus strand). Cytogenetic location: 8q21.3.
Variant type: single nucleotide variant.
Coding change: c.1631A>G on transcript NM_002485.5 (MANE Select); coding-DNA position 1631, A replaced by G.
Protein change: p.Lys544Arg; replaces lysine 544 with arginine.
Molecular consequence: missense variant.
Genome position (GRCh38, 1-based): chr8:89,953,458, T>C on the plus strand (A>G on the coding strand, the complement: NBN is on the minus strand). VCF-style: chr8-89953458-T-C. GRCh37 (hg19) VCF-style: chr8-90965686-T-C.
Other names: c.1385A>G, p.Lys462Arg (NM_001024688.3); short protein forms K544R, K462R.
Identifiers: ClinVar variation 1462995 (VCV001462995.8), dbSNP rs2129699796, ClinGen allele CA371655443.